The following is an entry in ClinVar:

NM_004656.4(BAP1):c.1251-1G>A

Gene: BAP1 (BRCA1 associated deubiquitinase 1; minus strand). Cytogenetic location: 3p21.1.
Variant type: single nucleotide variant.
Coding change: c.1251-1G>A on transcript NM_004656.4 (MANE Select); the canonical splice acceptor site of the intron before coding-DNA position 1251, G replaced by A.
Molecular consequence: splice acceptor variant.
Genome position (GRCh38, 1-based): chr3:52,403,895, C>T on the plus strand (G>A on the coding strand, the complement: BAP1 is on the minus strand). VCF-style: chr3-52403895-C-T. GRCh37 (hg19) VCF-style: chr3-52437911-C-T.
Other names: c.1197-1G>A (NM_001410772.1).
Identifiers: ClinVar variation 654853 (VCV000654853.10), dbSNP rs1578221396, ClinGen allele CA353102567.

ClinVar aggregate classification (germline): Likely pathogenic. Review status: criteria provided, multiple submitters, no conflicts (2 of 4 stars). 3 submissions from 3 submitters: Likely pathogenic (3). Last evaluated 2024-08-20.

Conditions:
Hereditary cancer-predisposing syndrome. Also called: Hereditary neoplastic syndrome; Tumor predisposition; Neoplastic Syndromes, Hereditary; Hereditary Cancer Syndrome. Identifiers: Orphanet 140162, MedGen C0027672, MeSH D009386, MONDO:0015356.
BAP1-related tumor predisposition syndrome (TPDS1). Also called: BAP1 tumor predisposition syndrome; Tumor susceptibility linked to germline BAP1 mutations; COMMON Syndrome; TUMOR PREDISPOSITION SYNDROME 1. Identifiers: Orphanet 289539, MedGen C3280492, MONDO:0013692, OMIM 614327.

Submissions (3):

Myriad Genetics, Inc.
Classification: Likely pathogenic for BAP1-related tumor predisposition syndrome. Last evaluated: 2024-08-20. Review status: criteria provided, single submitter. Criteria: Myriad Autosomal Dominant, Autosomal Recessive and X-Linked Classification Criteria (2023). Collection method: clinical testing. Allele origin: unknown.
Comment: This variant is considered likely pathogenic. This variant occurs within a consensus splice junction and is predicted to result in abnormal mRNA splicing of either an out-of-frame exon or an in-frame exon necessary for protein stability and/or normal function.

Labcorp Genetics (formerly Invitae), Labcorp
Classification: Likely pathogenic for BAP1-related tumor predisposition syndrome. Last evaluated: 2024-02-13. Review status: criteria provided, single submitter. Criteria: Invitae Variant Classification Sherloc (09022015). Collection method: clinical testing. Allele origin: germline.
Comment: This sequence change affects an acceptor splice site in intron 12 of the BAP1 gene. RNA analysis indicates that disruption of this splice site induces altered splicing and may result in an absent or disrupted protein product. This variant is not present in population databases (gnomAD no frequency). Disruption of this splice site has been observed in individual(s) with renal cell carcinoma (PMID: 32782288). ClinVar contains an entry for this variant (Variation ID: 654853). Studies have shown that disruption of this splice site results in retention of intron 12 and introduces a premature termination codon (Invitae). The resulting mRNA is expected to undergo nonsense-mediated decay. In summary, the currently available evidence indicates that the variant is pathogenic, but additional data are needed to prove that conclusively. Therefore, this variant has been classified as Likely Pathogenic.

Ambry Genetics
Classification: Likely pathogenic for Hereditary cancer-predisposing syndrome. Last evaluated: 2023-03-24. Review status: criteria provided, single submitter. Criteria: Ambry Variant Classification Scheme 2023. Collection method: clinical testing. Allele origin: germline.
Comment: The c.1251-1G>A intronic variant results from a G to A substitution one nucleotide upstream from coding exon 13 of the BAP1 gene. This variant was reported as a putative somatic driver mutation in a papillary renal cell carcinoma (Kovac M, et al. Nat Commun 2015; 6:6336 doi:10.1038/ncomms7336). This nucleotide position is highly conserved in available vertebrate species. In silico splice site analysis predicts that this alteration will weaken the native splice acceptor site; however, direct evidence is insufficient at this time (Ambry internal data). Alterations that disrupt the canonical splice site are expected to cause aberrant splicing, resulting in an abnormal protein or a transcript that is subject to nonsense-mediated mRNA decay. As such, this alteration is classified as likely pathogenic.

Literature cited by the submitters: PubMed 32782288 (cited by Labcorp Genetics (formerly Invitae), Labcorp); PubMed 25790038 (cited by Ambry Genetics).